The following is an entry in ClinVar:

ClinVar aggregate classification (germline): Likely benign. Review status: criteria provided, single submitter (1 of 4 stars). 2 submissions from 2 submitters: Likely benign (1). 1 of the submissions does not count toward it. Last evaluated 2026-01-26.

Conditions:
MTOR-related disorder. Also called: MTOR-related condition.

Allele frequency attached by ClinVar (database versions not stated): ExAC 0.00003; gnomAD exomes 0.00003; gnomAD 0.00005 and 0.00006; ESP Exome Variant Server 0.00008; TOPMed 0.00008; 1000 Genomes Project 30x 0.00031; 1000 Genomes Project 0.00040.
gnomAD v4.1: 28 of 1,614,222 alleles (0.0017%); highest among the groups gnomAD compares: African/African-American, 0.032%; no homozygotes.

Submissions (2):

Labcorp Genetics (formerly Invitae), Labcorp
Classification: Likely benign. Last evaluated: 2026-01-26. Review status: criteria provided, single submitter. Criteria: Invitae Variant Classification Sherloc (09022015). Collection method: clinical testing. Allele origin: germline.

PreventionGenetics, part of Exact Sciences
Classification: Likely benign for MTOR-related condition. Last evaluated: 2023-01-10. Review status: no assertion criteria provided. Collection method: clinical testing. Allele origin: germline. Not counted in ClinVar's aggregate classification.
Comment: This variant is classified as likely benign based on ACMG/AMP sequence variant interpretation guidelines (Richards et al. 2015 PMID: 25741868, with internal and published modifications).

NM_004958.4(MTOR):c.2103T>C (p.Asn701=)

Gene: MTOR (mechanistic target of rapamycin kinase; minus strand). Cytogenetic location: 1p36.22.
Variant type: single nucleotide variant.
Coding change: c.2103T>C on transcript NM_004958.4 (MANE Select); coding-DNA position 2103, T replaced by C.
Protein change: p.Asn701=; no amino-acid change (asparagine 701 retained).
Molecular consequence: synonymous variant.
Genome position (GRCh38, 1-based): chr1:11,237,948, A>G on the plus strand (T>C on the coding strand, the complement: MTOR is on the minus strand). VCF-style: chr1-11237948-A-G. GRCh37 (hg19) VCF-style: chr1-11298005-A-G.
Other names: c.2103T>C, p.Asn701= (NM_001386500.1); c.855T>C, p.Asn285= (NM_001386501.1); c.2103T>C (NM_004958.3).
Identifiers: ClinVar variation 1086052 (VCV001086052.11), dbSNP rs138517513, ClinGen allele CA590570.
Genomic context (GRCh38, chr1:11,237,948, plus strand): 5'-CATGCTACTGAGTCGGCCCACAGTGCAGATGGCCAGCTCCCGGATCTCAAACACCTGGTC[A>G]TTCAGAGCCACAAACAAGGCCTGCAAGTTCTCCGCCTGGGCCAGGTGTGCATCAAAGCGC-3'
Protein context (NP_004949.1, residues 691-711): ENLQALFVAL[Asn701=]DQVFEIRELA